The following is an entry in ClinVar:

NM_001379270.1(CNGA1):c.1174A>G (p.Ile392Val)

Genes: CNGA1 (cyclic nucleotide gated channel subunit alpha 1; minus strand), LOC101927157 (uncharacterized LOC101927157; plus strand). Cytogenetic location: 4p12.
Variant type: single nucleotide variant.
Coding change: c.1174A>G on transcript NM_001379270.1 (MANE Select); coding-DNA position 1174, A replaced by G.
Protein change: p.Ile392Val; replaces isoleucine 392 with valine.
Molecular consequence: missense variant.
Genome position (GRCh38, 1-based): chr4:47,937,308, T>C on the plus strand (A>G on the coding strand, the complement: CNGA1 is on the minus strand). VCF-style: chr4-47937308-T-C. GRCh37 (hg19) VCF-style: chr4-47939325-T-C.
Other names: c.1174A>G, p.Ile392Val (NM_000087.5, NM_001142564.2); c.1186A>G (NM_000087.3); short protein forms I392V.
Identifiers: ClinVar variation 1044892 (VCV001044892.8), dbSNP rs562266812, ClinGen allele CA2911117.

ClinVar aggregate classification (germline): Uncertain significance. Review status: criteria provided, multiple submitters, no conflicts (2 of 4 stars). 3 submissions from 3 submitters: Uncertain significance (3). Last evaluated 2026-06-28.

Conditions:
CNGA1-related disorder. Also called: CNGA1-related condition.

Allele frequency attached by ClinVar (database versions not stated): 1000 Genomes Project below 0.00001; gnomAD below 0.00001 and 0.00001; gnomAD exomes 0.00004 and 0.00006; ExAC 0.00006.
gnomAD v4.1: 64 of 1,613,914 alleles (0.004%); highest among the groups gnomAD compares: South Asian, 0.064%; 1 homozygote.

Submissions (3):

PreventionGenetics, part of Exact Sciences
Classification: Uncertain significance for CNGA1-related condition. Last evaluated: 2026-06-28. Review status: criteria provided, single submitter. Criteria: ACMG Guidelines, 2015. Collection method: clinical testing. Allele origin: germline.
Comment: The CNGA1 c.1186A>G variant is predicted to result in the amino acid substitution p.Ile396Val. To our knowledge, this variant has not been reported in the literature. This variant is present in 0.049% of alleles in individuals of South Asian descent in gnomAD. Population data indicate this variant occurs on the same allele as the variant c.932T>C (p.Ile311Thr). At this time, the clinical significance of this variant is uncertain due to the absence of conclusive functional and genetic evidence.

Labcorp Genetics (formerly Invitae), Labcorp
Classification: Uncertain significance. Last evaluated: 2022-02-24. Review status: criteria provided, single submitter. Criteria: Invitae Variant Classification Sherloc (09022015). Collection method: clinical testing. Allele origin: germline.
Comment: This sequence change replaces isoleucine, which is neutral and non-polar, with valine, which is neutral and non-polar, at codon 396 of the CNGA1 protein (p.Ile396Val). This variant is present in population databases (rs562266812, gnomAD 0.06%). This variant has not been reported in the literature in individuals affected with CNGA1-related conditions. ClinVar contains an entry for this variant (Variation ID: 1044892). Algorithms developed to predict the effect of missense changes on protein structure and function (SIFT, PolyPhen-2, Align-GVGD) all suggest that this variant is likely to be tolerated. Algorithms developed to predict the effect of sequence changes on RNA splicing suggest that this variant may create or strengthen a splice site. In summary, the available evidence is currently insufficient to determine the role of this variant in disease. Therefore, it has been classified as a Variant of Uncertain Significance.

Blueprint Genetics
Classification: Uncertain significance. Last evaluated: 2022-01-03. Review status: criteria provided, single submitter. Criteria: ACMG Guidelines, 2015. Collection method: clinical testing. Allele origin: germline.